The following is an entry in ClinVar:

NM_003803.4(MYOM1):c.3898A>G (p.Ile1300Val)

Gene: MYOM1 (myomesin 1; minus strand). Cytogenetic location: 18p11.31.
Variant type: single nucleotide variant.
Coding change: c.3898A>G on transcript NM_003803.4 (MANE Select); coding-DNA position 3898, A replaced by G.
Protein change: p.Ile1300Val; replaces isoleucine 1300 with valine.
Molecular consequence: missense variant.
Genome position (GRCh38, 1-based): chr18:3,090,769, T>C on the plus strand (A>G on the coding strand, the complement: MYOM1 is on the minus strand). VCF-style: chr18-3090769-T-C. GRCh37 (hg19) VCF-style: chr18-3090767-T-C.
Other names: c.3610A>G, p.Ile1204Val (NM_019856.2); short protein forms I1204V, I1300V.
Identifiers: ClinVar variation 2988236 (VCV002988236.3), dbSNP rs2510511103, ClinGen allele CA401712451.
Genomic context (GRCh38, chr18:3,090,769, plus strand): 5'-GCTGGAAAGTGTACGTTCCCTCATCCTCATCCTGTAGCTTTTCCATGAACATTTCGATGA[T>C]GCCAGTGTTTCGGTCAATATGCATTTTATATTTCTTCAGTGTGAAAAGAAAATGACAGAG-3'
Protein context (NP_003794.3, residues 1290-1310): YKMHIDRNTG[Ile1300Val]IEMFMEKLQD

ClinVar aggregate classification (germline): Uncertain significance (1 of 4 stars; one submission).

Conditions:
Hypertrophic cardiomyopathy. Also called: HYPERTROPHIC MYOCARDIOPATHY. Identifiers: Orphanet 217569, MedGen C0007194, MeSH D002312, MONDO:0005045, HP:0001639.

Allele frequency attached by ClinVar (database versions not stated): gnomAD exomes below 0.00001.
gnomAD v4.1: 1 of 1,614,012 alleles (0.000062%); highest among the groups gnomAD compares: South Asian, 0.0011%; no homozygotes.

Submission:

Labcorp Genetics (formerly Invitae), Labcorp
Classification: Uncertain significance for Hypertrophic cardiomyopathy. Last evaluated: 2023-06-24. Review status: criteria provided, single submitter. Criteria: Invitae Variant Classification Sherloc (09022015). Collection method: clinical testing. Allele origin: germline.
Comment: In summary, the available evidence is currently insufficient to determine the role of this variant in disease. Therefore, it has been classified as a Variant of Uncertain Significance. Advanced modeling of protein sequence and biophysical properties (such as structural, functional, and spatial information, amino acid conservation, physicochemical variation, residue mobility, and thermodynamic stability) performed at Invitae indicates that this missense variant is not expected to disrupt MYOM1 protein function. This variant has not been reported in the literature in individuals affected with MYOM1-related conditions. This variant is not present in population databases (gnomAD no frequency). This sequence change replaces isoleucine, which is neutral and non-polar, with valine, which is neutral and non-polar, at codon 1300 of the MYOM1 protein (p.Ile1300Val).